The following is an entry in ClinVar:

NM_001099403.2(PRDM8):c.1634T>C (p.Leu545Pro)

Gene: PRDM8 (PR/SET domain 8; plus strand). Cytogenetic location: 4q21.21.
Variant type: single nucleotide variant.
Coding change: c.1634T>C on transcript NM_001099403.2 (MANE Select); coding-DNA position 1634, T replaced by C.
Protein change: p.Leu545Pro; replaces leucine 545 with proline.
Molecular consequence: missense variant.
Genome position (GRCh38, 1-based): chr4:80,203,096, T>C. VCF-style: chr4-80203096-T-C. GRCh37 (hg19) VCF-style: chr4-81124250-T-C.
Other names: c.1634T>C, p.Leu545Pro (NM_020226.4); short protein forms L545P.
Identifiers: ClinVar variation 1394483 (VCV001394483.8), dbSNP rs2109880158, ClinGen allele CA357401851.

ClinVar aggregate classification (germline): Uncertain significance (1 of 4 stars; one submission).

Conditions:
Early-onset Lafora body disease. Also called: Epilepsy, progressive myoclonic, 10. Identifiers: Orphanet 324290, MedGen C4225258, MONDO:0014717, OMIM 616640.

Submission:

Labcorp Genetics (formerly Invitae), Labcorp
Classification: Uncertain significance for Early-onset Lafora body disease. Last evaluated: 2022-01-13. Review status: criteria provided, single submitter. Criteria: Invitae Variant Classification Sherloc (09022015). Collection method: clinical testing. Allele origin: germline.
Comment: In summary, the available evidence is currently insufficient to determine the role of this variant in disease. Therefore, it has been classified as a Variant of Uncertain Significance. Algorithms developed to predict the effect of missense changes on protein structure and function are either unavailable or do not agree on the potential impact of this missense change (SIFT: "Deleterious"; PolyPhen-2: "Probably Damaging"; Align-GVGD: "Class C0"). This variant has not been reported in the literature in individuals affected with PRDM8-related conditions. This variant is not present in population databases (gnomAD no frequency). This sequence change replaces leucine, which is neutral and non-polar, with proline, which is neutral and non-polar, at codon 545 of the PRDM8 protein (p.Leu545Pro).